The following is an entry in ClinVar:

NM_005343.4(HRAS):c.291-3C>T

Genes: HRAS (HRas proto-oncogene, GTPase; minus strand), LRRC56 (leucine rich repeat containing 56; plus strand). Cytogenetic location: 11p15.5.
Variant type: single nucleotide variant.
Coding change: c.291-3C>T on transcript NM_005343.4 (MANE Select); 3 bases into the intron before coding-DNA position 291, C replaced by T.
Molecular consequence: intron variant.
Genome position (GRCh38, 1-based): chr11:533,615, G>A on the plus strand (C>T on the coding strand, the complement: HRAS is on the minus strand). VCF-style: chr11-533615-G-A. GRCh37 (hg19) VCF-style: chr11-533615-G-A.
Other names: c.291-3C>T (NM_001130442.3, NM_176795.5); c.-29-3C>T (NM_001318054.2).
Identifiers: ClinVar variation 1007992 (VCV001007992.11), dbSNP rs1851251687, ClinGen allele CA1947153333.
Genomic context (GRCh38, chr11:533,615, plus strand): 5'-GTTCCCCACCAGCACCATGGGCACGTCATCCGAGTCCTTCACCCGTTTGATCTGCTCCCT[G>A]AGAGGTGGAAAGCGAGAGCTGGCTACGGGGGCTGCAGGCGCAGCGGCATCCAGGACATGC-3'

ClinVar aggregate classification (germline): Uncertain significance. Review status: criteria provided, multiple submitters, no conflicts (2 of 4 stars). 2 submissions from 2 submitters: Uncertain significance (2). Last evaluated 2024-01-07.

Conditions:
Hereditary cancer-predisposing syndrome. Also called: Neoplastic Syndromes, Hereditary; Hereditary Cancer Syndrome; Hereditary neoplastic syndrome; Tumor predisposition. Identifiers: Orphanet 140162, MedGen C0027672, MeSH D009386, MONDO:0015356.
Costello syndrome (CSTLO). Also called: FACIOCUTANEOSKELETAL SYNDROME; FCS SYNDROME; HRAS-Related Costello Syndrome. Identifiers: Orphanet 3071, MedGen C0587248, MONDO:0009026, OMIM 218040.

Submissions (3):

Labcorp Genetics (formerly Invitae), Labcorp
Classification: Uncertain significance for Costello syndrome. Last evaluated: 2024-01-07. Review status: criteria provided, single submitter. Criteria: Invitae Variant Classification Sherloc (09022015). Collection method: clinical testing. Allele origin: germline.
Comment: This sequence change falls in intron 3 of the HRAS gene. It does not directly change the encoded amino acid sequence of the HRAS protein. It affects a nucleotide within the consensus splice site. This variant is not present in population databases (gnomAD no frequency). This variant has not been reported in the literature in individuals affected with HRAS-related conditions. ClinVar contains an entry for this variant (Variation ID: 1007992). Variants that disrupt the consensus splice site are a relatively common cause of aberrant splicing (PMID: 17576681, 9536098). Algorithms developed to predict the effect of sequence changes on RNA splicing suggest that this variant is not likely to affect RNA splicing. In summary, the available evidence is currently insufficient to determine the role of this variant in disease. Therefore, it has been classified as a Variant of Uncertain Significance.

Sema4
Classification: Uncertain significance for Hereditary cancer-predisposing syndrome. Last evaluated: 2021-11-03. Review status: criteria provided, single submitter. Criteria: Sema4 Curation Guidelines. Collection method: curation. Allele origin: germline.
Comment: The HRAS c.291-3C>T variant has not been reported in the literature to our knowledge. It was not observed in the Genome Aggregation Database, but has been reported in ClinVar (Variation ID 1007992). In silico tools suggest the variant does not disrupt normal splicing, though these predictions have not been confirmed by functional studies. The evidence is insufficient to meet ACMG/AMP criteria for classifying the variant as benign or pathogenic. Thus, the clinical significance of this variant is currently uncertain.

Dr. Peter K. Rogan Lab, Western University
No classification provided (evidence only). Condition: Cervical cancer. Review status: no classification provided. Collection method: in vitro. Allele origin: not applicable. Functional consequence: retained intron. Not counted in ClinVar's aggregate classification.

Literature cited by the submitters: PubMed 17576681 (cited by Labcorp Genetics (formerly Invitae), Labcorp); PubMed 9536098 (cited by Labcorp Genetics (formerly Invitae), Labcorp).